The following is an entry in ClinVar:

ClinVar aggregate classification (germline): Uncertain significance (1 of 4 stars; one submission).

Conditions:
Hereditary cancer-predisposing syndrome. Also called: Hereditary Cancer Syndrome; Tumor predisposition; Hereditary neoplastic syndrome; Neoplastic Syndromes, Hereditary. Identifiers: Orphanet 140162, MedGen C0027672, MeSH D009386, MONDO:0015356.

Submission:

Labcorp Genetics (formerly Invitae), Labcorp
Classification: Uncertain significance for Hereditary cancer-predisposing syndrome. Last evaluated: 2021-07-15. Review status: criteria provided, single submitter. Criteria: Invitae Variant Classification Sherloc (09022015). Collection method: clinical testing. Allele origin: germline.
Comment: In summary, the available evidence is currently insufficient to determine the role of this variant in disease. Therefore, it has been classified as a Variant of Uncertain Significance. Algorithms developed to predict the effect of missense changes on protein structure and function are either unavailable or do not agree on the potential impact of this missense change (SIFT: "Deleterious"; PolyPhen-2: "Probably Damaging"; Align-GVGD: "Class C0"). This variant has not been reported in the literature in individuals with RAD50-related conditions. This variant is not present in population databases (ExAC no frequency). This sequence change replaces proline with leucine at codon 70 of the RAD50 protein (p.Pro70Leu). The proline residue is highly conserved and there is a moderate physicochemical difference between proline and leucine.

NM_005732.4(RAD50):c.209C>T (p.Pro70Leu)

Gene: RAD50 (RAD50 double strand break repair protein; plus strand). Cytogenetic location: 5q31.1.
Variant type: single nucleotide variant.
Coding change: c.209C>T on transcript NM_005732.4 (MANE Select); coding-DNA position 209, C replaced by T.
Protein change: p.Pro70Leu; replaces proline 70 with leucine.
Molecular consequence: missense variant.
Genome position (GRCh38, 1-based): chr5:132,559,363, C>T. VCF-style: chr5-132559363-C-T. GRCh37 (hg19) VCF-style: chr5-131895055-C-T.
Other names: short protein forms P70L.
Identifiers: ClinVar variation 1042146 (VCV001042146.9), dbSNP rs1750080044, ClinGen allele CA360953839.